The following is an entry in ClinVar:

ClinVar aggregate classification (germline): Likely benign. Review status: criteria provided, multiple submitters, no conflicts (2 of 4 stars). 4 submissions from 4 submitters: Likely benign (4). Last evaluated 2026-07-01.

Conditions:
Mitochondrial complex V (ATP synthase) deficiency, nuclear type 2. Also called: MITOCHONDRIAL COMPLEX V (ATP SYNTHASE) DEFICIENCY, TMEM70 TYPE; Nuclear-Encoded ATPase Deficiency, TMEM70-Related; ENCEPHALOCARDIOMYOPATHY, MITOCHONDRIAL, NEONATAL, DUE TO ATP SYNTHASE DEFICIENCY. Identifiers: Orphanet 1194, MedGen C3279699, MONDO:0013546, OMIM 614052.

Allele frequency attached by ClinVar (database versions not stated): gnomAD exomes 0.00006 and 0.00008; gnomAD 0.00007 and 0.00011; ExAC 0.00010; TOPMed 0.00015; 1000 Genomes Project 30x 0.00016; 1000 Genomes Project 0.00020.
gnomAD v4.1: 113 of 1,614,074 alleles (0.007%); highest among the groups gnomAD compares: Middle Eastern, 0.016%; no homozygotes.

Submissions (4):

CeGaT Center for Human Genetics Tuebingen
Classification: Likely benign. Last evaluated: 2026-07-01. Review status: criteria provided, single submitter. Criteria: CeGaT Center For Human Genetics Tuebingen Variant Classification Criteria Version 2. Collection method: clinical testing. Allele origin: germline. Affected: yes. Observed: 2 variant alleles.
Comment: TMEM70: BP4, BP7

Labcorp Genetics (formerly Invitae), Labcorp
Classification: Likely benign for Mitochondrial complex V (ATP synthase) deficiency, nuclear type 2. Last evaluated: 2025-10-27. Review status: criteria provided, single submitter. Criteria: Invitae Variant Classification Sherloc (09022015). Collection method: clinical testing. Allele origin: germline.

Blueprint Genetics
Classification: Likely benign. Last evaluated: 2024-05-20. Review status: criteria provided, single submitter. Criteria: ACMG Guidelines, 2015. Collection method: clinical testing. Allele origin: germline.

GeneDx
Classification: Likely benign. Last evaluated: 2019-04-29. Review status: criteria provided, single submitter. Criteria: GeneDx Variant Classification Process June 2021. Collection method: clinical testing. Allele origin: germline. Affected: yes.

NM_017866.6(TMEM70):c.654A>G (p.Ser218=)

Gene: TMEM70 (transmembrane protein 70; plus strand). Cytogenetic location: 8q21.11.
Variant type: single nucleotide variant.
Coding change: c.654A>G on transcript NM_017866.6 (MANE Select); coding-DNA position 654, A replaced by G.
Protein change: p.Ser218=; no amino-acid change (serine 218 retained).
Molecular consequence: synonymous variant. On other transcripts: 3 prime UTR variant (1), non-coding transcript variant (1).
Genome position (GRCh38, 1-based): chr8:73,981,492, A>G. VCF-style: chr8-73981492-A-G. GRCh37 (hg19) VCF-style: chr8-74893727-A-G.
Other names: c.*344A>G (NM_001040613.3).
Identifiers: ClinVar variation 770077 (VCV000770077.34), dbSNP rs540563357, ClinGen allele CA4784085.
Genomic context (GRCh38, chr8:73,981,492, plus strand): 5'-TGATGTGAAGATTCCAGATGCTAAACATGTATTTACCACATTTTATGCTAAAACAAAATC[A>G]CTGTTAGTTAATCCAGTGCTCTTTCCAAACCGTGAAGACTATATCCATCTAATGGGTTAT-3'
Protein context (NP_060336.3, residues 208-228): VFTTFYAKTK[Ser218=]LLVNPVLFPN